The following is an entry in ClinVar:

NM_000051.4(ATM):c.9023G>C (p.Arg3008Pro)

Genes: ATM (ATM serine/threonine kinase; plus strand), C11orf65 (chromosome 11 open reading frame 65; minus strand). Cytogenetic location: 11q22.3.
Variant type: single nucleotide variant.
Coding change: c.9023G>C on transcript NM_000051.4 (MANE Select); coding-DNA position 9023, G replaced by C.
Protein change: p.Arg3008Pro; replaces arginine 3008 with proline.
Molecular consequence: missense variant. On other transcripts: intron variant (2).
Genome position (GRCh38, 1-based): chr11:108,365,360, G>C. VCF-style: chr11-108365360-G-C. GRCh37 (hg19) VCF-style: chr11-108236087-G-C.
Other names: c.9023G>C, p.Arg3008Pro (NM_001351834.2); c.640+20560C>G (NM_001330368.2); c.694+20560C>G (NM_001351110.2); short protein forms R3008P.
Identifiers: ClinVar variation 576591 (VCV000576591.14), dbSNP rs587781894, ClinGen allele CA382531133.
Genomic context (GRCh38, chr11:108,365,360, plus strand): 5'-GAAACCTTTGTGTTTTTGTCCTTAGTGATATTGACCAGAGTTTCAACAAAGTAGCTGAAC[G>C]TGTCTTAATGAGACTACAAGAGAAACTGAAAGGAGTGGAAGAAGGCACTGTGCTCAGTGT-3'
Protein context (NP_000042.3, residues 2998-3018): IDQSFNKVAE[Arg3008Pro]VLMRLQEKLK

ClinVar aggregate classification (germline): Conflicting classifications of pathogenicity. Review status: criteria provided, conflicting classifications (1 of 4 stars). 2 submissions from 2 submitters: Likely pathogenic (1); Uncertain significance (1). Last evaluated 2026-03-06.

Conditions:
Hereditary cancer-predisposing syndrome. Also called: Hereditary Cancer Syndrome; Neoplastic Syndromes, Hereditary; Tumor predisposition; Hereditary neoplastic syndrome. Identifiers: Orphanet 140162, MedGen C0027672, MeSH D009386, MONDO:0015356.
Ataxia-telangiectasia syndrome (AT). Also called: Cerebello-oculocutaneous telangiectasia; Immunodeficiency with ataxia telangiectasia; Ataxia-telangiectasia, complementation group E; Ataxia-telangiectasia, complementation group D; AT, COMPLEMENTATION GROUP C; ATAXIA-TELANGIECTASIA, COMPLEMENTATION GROUP A. Identifiers: Orphanet 100, MedGen C0004135, MONDO:0008840, OMIM 208900.

gnomAD v4.1: 1 of 1,614,124 alleles (0.000062%); highest among the groups gnomAD compares: Non-Finnish European, 0.000085%; no homozygotes.

Submissions (2):

Ambry Genetics
Classification: Uncertain significance for Hereditary cancer-predisposing syndrome. Last evaluated: 2026-03-06. Review status: criteria provided, single submitter. Criteria: Ambry Variant Classification Scheme 2023. Collection method: clinical testing. Allele origin: germline.
Comment: The p.R3008P variant (also known as c.9023G>C), located in coding exon 62 of the ATM gene, results from a G to C substitution at nucleotide position 9023. The arginine at codon 3008 is replaced by proline, an amino acid with dissimilar properties. Another variant at the same codon, p.R3008H (c.9023G>A), have been identified in individual(s) with features consistent with ataxia telangiectasia (Paglia LL et al. Breast Cancer Res.Treat. 2010; 119:443-52; Schon K et al. Ann. Neurol., 2019 02;85:170-180; Strand J et al. Front Immunol, 2020 Jul;11:1417; Caputi C et al. Mov Disord Clin Pract, 2023 Jan;10:124-129). This amino acid position is highly conserved in available vertebrate species. In addition, the in silico prediction for this alteration is inconclusive. Based on the available evidence, the clinical significance of this variant remains unclear.

Labcorp Genetics (formerly Invitae), Labcorp
Classification: Likely pathogenic for Ataxia-telangiectasia syndrome. Last evaluated: 2023-09-10. Review status: criteria provided, single submitter. Criteria: Invitae Variant Classification Sherloc (09022015). Collection method: clinical testing. Allele origin: germline.
Comment: In summary, the currently available evidence indicates that the variant is pathogenic, but additional data are needed to prove that conclusively. Therefore, this variant has been classified as Likely Pathogenic. This variant disrupts the p.Arg3008 amino acid residue in ATM. Other variant(s) that disrupt this residue have been determined to be pathogenic (PMID: 9872980, 10817650, 12552566, 15101044, 18573109, 19431188). This suggests that this residue is clinically significant, and that variants that disrupt this residue are likely to be disease-causing. An algorithm developed to predict the effect of missense changes on protein structure and function (PolyPhen-2) suggests that this variant is likely to be disruptive. ClinVar contains an entry for this variant (Variation ID: 576591). This missense change has been observed in individual(s) with rhabdomyosarcoma (PMID: 33332384). This variant is not present in population databases (gnomAD no frequency). This sequence change replaces arginine, which is basic and polar, with proline, which is neutral and non-polar, at codon 3008 of the ATM protein (p.Arg3008Pro).

Literature cited by the submitters: PubMed 9872980 (cited by Labcorp Genetics (formerly Invitae), Labcorp); PubMed 10817650 (cited by Labcorp Genetics (formerly Invitae), Labcorp); PubMed 12552566 (cited by Labcorp Genetics (formerly Invitae), Labcorp); PubMed 15101044 (cited by Labcorp Genetics (formerly Invitae), Labcorp); PubMed 18573109 (cited by Labcorp Genetics (formerly Invitae), Labcorp); PubMed 19431188 (cited by Labcorp Genetics (formerly Invitae), Labcorp); PubMed 33332384 (cited by Labcorp Genetics (formerly Invitae), Labcorp).